The following is an entry in ClinVar:

NM_001142864.4(PIEZO1):c.4316C>T (p.Ser1439Leu)

Gene: PIEZO1 (piezo type mechanosensitive ion channel component 1 (Er blood group); minus strand). Cytogenetic location: 16q24.3.
Variant type: single nucleotide variant.
Coding change: c.4316C>T on transcript NM_001142864.4 (MANE Select); coding-DNA position 4316, C replaced by T.
Protein change: p.Ser1439Leu; replaces serine 1439 with leucine.
Molecular consequence: missense variant.
Genome position (GRCh38, 1-based): chr16:88,723,890, G>A on the plus strand (C>T on the coding strand, the complement: PIEZO1 is on the minus strand). VCF-style: chr16-88723890-G-A. GRCh37 (hg19) VCF-style: chr16-88790298-G-A.
Other names: c.4316C>T (NM_001142864.3, NM_001142864.2); c.2858C>T, p.Ser953Leu (NM_014745.1); short protein forms S953L, S1439L.
Identifiers: ClinVar variation 2746996 (VCV002746996.8), dbSNP rs34873950, ClinGen allele CA8232192.

ClinVar aggregate classification (germline): Conflicting classifications of pathogenicity. Review status: criteria provided, conflicting classifications (1 of 4 stars). 4 submissions from 4 submitters: Uncertain significance (1); Benign (1); Likely benign (2). Last evaluated 2026-01-14.

Conditions:
PIEZO1-related disorder. Also called: PIEZO1-related condition; PIEZO1-Related Disorders.
Inborn genetic diseases. Identifiers: MedGen C0950123, MeSH D030342.

Allele frequency attached by ClinVar (database versions not stated): gnomAD exomes 0.00007; ExAC 0.00010; ESP Exome Variant Server 0.00044; gnomAD 0.00074; TOPMed 0.00087; 1000 Genomes Project 0.00100; 1000 Genomes Project 30x 0.00109.
gnomAD v4.1: 214 of 1,545,092 alleles (0.014%); highest among the groups gnomAD compares: African/African-American, 0.25%; 1 homozygote.

Submissions (4):

Labcorp Genetics (formerly Invitae), Labcorp
Classification: Benign. Last evaluated: 2026-01-14. Review status: criteria provided, single submitter. Criteria: Invitae Variant Classification Sherloc (09022015). Collection method: clinical testing. Allele origin: germline.

PreventionGenetics, part of Exact Sciences
Classification: Likely benign for PIEZO1-related condition. Last evaluated: 2025-12-04. Review status: criteria provided, single submitter. Criteria: ACMG Guidelines, 2015. Collection method: clinical testing. Allele origin: germline.
Comment: This variant is classified as likely benign based on ACMG/AMP sequence variant interpretation guidelines (Richards et al. 2015 PMID: 25741868, with internal and published modifications).

ARUP Laboratories, Molecular Genetics and Genomics, ARUP Laboratories
Classification: Likely benign. Last evaluated: 2024-12-10. Review status: criteria provided, single submitter. Criteria: ARUP Molecular Germline Variant Investigation Process 2024. Collection method: clinical testing. Allele origin: germline.

Ambry Genetics
Classification: Uncertain significance for Inborn genetic diseases. Last evaluated: 2024-08-11. Review status: criteria provided, single submitter. Criteria: Ambry Variant Classification Scheme 2023. Collection method: clinical testing. Allele origin: germline.